The following is an entry in ClinVar:

ClinVar aggregate classification (germline): Uncertain significance. Review status: criteria provided, multiple submitters, no conflicts (2 of 4 stars). 3 submissions from 3 submitters: Uncertain significance (3). Last evaluated 2025-06-10.

Conditions:
Inborn genetic diseases. Identifiers: MedGen C0950123, MeSH D030342.
Deficiency of cytochrome-b5 reductase. Also called: METHEMOGLOBINEMIA, CONGENITAL, AUTOSOMAL RECESSIVE; NADH-DEPENDENT METHEMOGLOBIN REDUCTASE DEFICIENCY. Identifiers: Orphanet 621, MedGen C0268193, MONDO:0009606, OMIM 250800.

Allele frequency attached by ClinVar (database versions not stated): ExAC 0.00004; gnomAD exomes 0.00004 and 0.00008; gnomAD 0.00005; ESP Exome Variant Server 0.00008.
gnomAD v4.1: 68 of 1,613,940 alleles (0.0042%); highest among the groups gnomAD compares: Admixed American, 0.012%; no homozygotes.

Submissions (3):

Ambry Genetics
Classification: Uncertain significance for Inborn genetic diseases. Last evaluated: 2025-06-10. Review status: criteria provided, single submitter. Criteria: Ambry Variant Classification Scheme 2023. Collection method: clinical testing. Allele origin: germline.

Fulgent Genetics
Classification: Uncertain significance for Deficiency of cytochrome-b5 reductase. Last evaluated: 2021-11-05. Review status: criteria provided, single submitter. Criteria: ACMG Guidelines, 2015. Collection method: clinical testing. Allele origin: unknown.

GeneDx
Classification: Uncertain significance. Last evaluated: 2020-09-14. Review status: criteria provided, single submitter. Criteria: GeneDx Variant Classification Process June 2021. Collection method: clinical testing. Allele origin: germline. Affected: yes.
Comment: In silico analysis supports that this missense variant has a deleterious effect on protein structure/function; Has not been previously published as pathogenic or benign to our knowledge

NM_000398.7(CYB5R3):c.89C>T (p.Ser30Phe)

Gene: CYB5R3 (cytochrome b5 reductase 3; minus strand). Cytogenetic location: 22q13.2.
Variant type: single nucleotide variant.
Coding change: c.89C>T on transcript NM_000398.7 (MANE Select); coding-DNA position 89, C replaced by T.
Protein change: p.Ser30Phe; replaces serine 30 with phenylalanine.
Molecular consequence: missense variant.
Genome position (GRCh38, 1-based): chr22:42,636,779, G>A on the plus strand (C>T on the coding strand, the complement: CYB5R3 is on the minus strand). VCF-style: chr22-42636779-G-A. GRCh37 (hg19) VCF-style: chr22-43032785-G-A.
Other names: c.20C>T, p.Ser7Phe (NM_001129819.2, NM_001171661.1, NM_007326.4); c.188C>T, p.Ser63Phe (NM_001171660.2); short protein forms S30F, S63F, S7F.
Identifiers: ClinVar variation 1303578 (VCV001303578.4), dbSNP rs147960720, ClinGen allele CA10269920.
Genomic context (GRCh38, chr22:42,636,779, plus strand): 5'-CGGTCGATGAGCCGCAGCGGGTACTTGATGTCCGGGCTCTCGAGGGTGATGGCTGGCGTG[G>A]AGCGCTGGAACAGCTTCATGAGCAGACTGTACAGGAACCAGACTGGGAAGAGCACCATAT-3'
Protein context (NP_000389.1, residues 20-40): YSLLMKLFQR[Ser30Phe]TPAITLESPD